The following is an entry in ClinVar:

NM_031220.4(PITPNM3):c.35C>T (p.Pro12Leu)

Gene: PITPNM3 (PITPNM family member 3; minus strand). Cytogenetic location: 17p13.1.
Variant type: single nucleotide variant.
Coding change: c.35C>T on transcript NM_031220.4 (MANE Select); coding-DNA position 35, C replaced by T.
Protein change: p.Pro12Leu; replaces proline 12 with leucine.
Molecular consequence: missense variant.
Genome position (GRCh38, 1-based): chr17:6,538,070, G>A on the plus strand (C>T on the coding strand, the complement: PITPNM3 is on the minus strand). VCF-style: chr17-6538070-G-A. GRCh37 (hg19) VCF-style: chr17-6441390-G-A.
Other names: c.35C>T, p.Pro12Leu (NM_001165966.2); short protein forms P12L.
Identifiers: ClinVar variation 853170 (VCV000853170.13), dbSNP rs754290443, ClinGen allele CA8329975.
Genomic context (GRCh38, chr17:6,538,070, plus strand): 5'-TCTGAGCTCTCCACAGAGTCACTGAGGACATTTCGAAGGTGCCAGGGGGCACCGCCGCCC[G>A]GGGGAGGACCACCTGTTAAAGGGAACACATCTGTTAACCAAGCCTGAGATGTTGTCCCAG-3'
Protein context (NP_112497.2, residues 2-22): AKAGRAGGPP[Pro12Leu]GGGAPWHLRN

ClinVar aggregate classification (germline): Uncertain significance. Review status: criteria provided, multiple submitters, no conflicts (2 of 4 stars). 3 submissions from 3 submitters: Uncertain significance (3). Last evaluated 2025-07-03.

Allele frequency attached by ClinVar (database versions not stated): gnomAD exomes 0.00002; TOPMed 0.00003; ExAC 0.00003.
gnomAD v4.1: 42 of 1,610,500 alleles (0.0026%); highest among the groups gnomAD compares: East Asian, 0.027%; no homozygotes.

Submissions (3):

Dasa
Classification: Uncertain significance. Last evaluated: 2025-07-03. Review status: criteria provided, single submitter. Criteria: DASA Assertion Criteria. Collection method: clinical testing. Allele origin: germline.
Comment: NM_031220.4(PITPNM3):c.35C>T (p.Pro12Leu) is a missense variant that results in the substitution of proline with leucine. This variant is rare in population databases. Computational prediction algorithms are consistent with a benign effect. The currently available literature and clinical evidence are not sufficient to establish a definitive association between this variant and the reported condition. Therefore, this variant is classified as a variant of uncertain significance.

Labcorp Genetics (formerly Invitae), Labcorp
Classification: Uncertain significance. Last evaluated: 2023-10-13. Review status: criteria provided, single submitter. Criteria: Invitae Variant Classification Sherloc (09022015). Collection method: clinical testing. Allele origin: germline.
Comment: This sequence change replaces proline, which is neutral and non-polar, with leucine, which is neutral and non-polar, at codon 12 of the PITPNM3 protein (p.Pro12Leu). This variant is present in population databases (rs754290443, gnomAD 0.01%). This variant has not been reported in the literature in individuals affected with PITPNM3-related conditions. ClinVar contains an entry for this variant (Variation ID: 853170). Advanced modeling of protein sequence and biophysical properties (such as structural, functional, and spatial information, amino acid conservation, physicochemical variation, residue mobility, and thermodynamic stability) performed at Invitae indicates that this missense variant is not expected to disrupt PITPNM3 protein function. In summary, the available evidence is currently insufficient to determine the role of this variant in disease. Therefore, it has been classified as a Variant of Uncertain Significance.

Ambry Genetics
Classification: Uncertain significance. Last evaluated: 2023-03-06. Review status: criteria provided, single submitter. Criteria: Ambry Variant Classification Scheme 2023. Collection method: clinical testing. Allele origin: germline.